The following is an entry in ClinVar:

NM_002184.4(IL6ST):c.50C>T (p.Thr17Ile)

Gene: IL6ST (interleukin 6 cytokine family signal transducer; minus strand). Cytogenetic location: 5q11.2.
Variant type: single nucleotide variant.
Coding change: c.50C>T on transcript NM_002184.4 (MANE Select); coding-DNA position 50, C replaced by T.
Protein change: p.Thr17Ile; replaces threonine 17 with isoleucine.
Molecular consequence: missense variant. On other transcripts: 5 prime UTR variant (3), non-coding transcript variant (2).
Genome position (GRCh38, 1-based): chr5:55,976,229, G>A on the plus strand (C>T on the coding strand, the complement: IL6ST is on the minus strand). VCF-style: chr5-55976229-G-A. GRCh37 (hg19) VCF-style: chr5-55272057-G-A.
Other names: c.50C>T, p.Thr17Ile (NM_001190981.2, NM_001364275.2, NM_001364276.2 and 1 more transcripts); c.-743C>T (NM_001364277.2, NM_001364279.2); c.-733C>T (NM_001364278.2); short protein forms T17I.
Identifiers: ClinVar variation 2811437 (VCV002811437.3), dbSNP rs2533602435, ClinGen allele CA359772433.

ClinVar aggregate classification (germline): Uncertain significance (1 of 4 stars; one submission).

Submission:

Labcorp Genetics (formerly Invitae), Labcorp
Classification: Uncertain significance. Last evaluated: 2022-11-01. Review status: criteria provided, single submitter. Criteria: Invitae Variant Classification Sherloc (09022015). Collection method: clinical testing. Allele origin: germline.
Comment: This variant is not present in population databases (gnomAD no frequency). This sequence change replaces threonine, which is neutral and polar, with isoleucine, which is neutral and non-polar, at codon 17 of the IL6ST protein (p.Thr17Ile). This variant has not been reported in the literature in individuals affected with IL6ST-related conditions. Algorithms developed to predict the effect of missense changes on protein structure and function output the following: SIFT: "Tolerated"; PolyPhen-2: "Benign"; Align-GVGD: "Class C0". The isoleucine amino acid residue is found in multiple mammalian species, which suggests that this missense change does not adversely affect protein function. In summary, the available evidence is currently insufficient to determine the role of this variant in disease. Therefore, it has been classified as a Variant of Uncertain Significance.